The following is an entry in ClinVar:

NM_001378452.1(ITPR1):c.7635T>C (p.Thr2545=)

Genes: ITPR1 (inositol 1,4,5-trisphosphate receptor type 1; plus strand), LOC126806590 (MED14-independent group 3 enhancer GRCh37_chr3:4855759-4856958; plus strand). Cytogenetic location: 3p26.1.
Variant type: single nucleotide variant.
Coding change: c.7635T>C on transcript NM_001378452.1 (MANE Select); coding-DNA position 7635, T replaced by C.
Protein change: p.Thr2545=; no amino-acid change (threonine 2545 retained).
Molecular consequence: synonymous variant.
Genome position (GRCh38, 1-based): chr3:4,814,496, T>C. VCF-style: chr3-4814496-T-C. GRCh37 (hg19) VCF-style: chr3-4856180-T-C.
Other names: p.Thr2482=; c.7491T>C, p.Thr2497= (NM_001099952.4); c.7590T>C, p.Thr2530= (NM_001168272.2); c.7446T>C, p.Thr2482= (NM_002222.7).
Identifiers: ClinVar variation 129303 (VCV000129303.29), dbSNP rs711631, ClinGen allele CA153225.

ClinVar aggregate classification (germline): Benign. Review status: criteria provided, multiple submitters, no conflicts (2 of 4 stars). 14 submissions from 12 submitters: Benign (10). 4 of the submissions do not count toward it. Last evaluated 2026-02-03.

Conditions:
Spinocerebellar ataxia type 15/16 (SCA15). Also called: Spinocerebellar Ataxia Type 15. Identifiers: Orphanet 98769, MedGen C1847725, MONDO:0011694, OMIM 606658.
Spinocerebellar ataxia type 29 (SCA29). Also called: CEREBELLAR ATAXIA, CONGENITAL NONPROGRESSIVE, AUTOSOMAL DOMINANT; Spinocerebellar ataxia 29, congenital nonprogressive. Identifiers: Orphanet 208513, MedGen C1861732, MONDO:0007298, OMIM 117360.
Gillespie syndrome (GLSP). Also called: Aniridia-cerebellar ataxia-intellectual disability syndrome; Aniridia, cerebellar ataxia, and mental deficiency. Identifiers: Orphanet 1065, MedGen C0431401, MONDO:0008795, OMIM 206700.
Autosomal dominant cerebellar ataxia. Also called: Spinocerebellar Ataxia, Dominant. Identifiers: Orphanet 99, MedGen C4087347, MONDO:0020380.

Allele frequency attached by ClinVar (database versions not stated): 1000 Genomes Project 30x 0.78576; 1000 Genomes Project 0.79093; TOPMed 0.79479; gnomAD 0.80127 and 0.80184; ESP Exome Variant Server 0.80256; ExAC 0.82442; gnomAD exomes 0.82929 and 0.83048.
gnomAD v4.1: 1,334,511 of 1,613,016 alleles (83%); highest among the groups gnomAD compares: East Asian, 94%; 554,103 homozygotes.

Submissions (14):

Labcorp Genetics (formerly Invitae), Labcorp
Classification: Benign. Last evaluated: 2026-02-03. Review status: criteria provided, single submitter. Criteria: Invitae Variant Classification Sherloc (09022015). Collection method: clinical testing. Allele origin: germline.

Blueprint Genetics
Classification: Benign. Last evaluated: 2024-11-26. Review status: criteria provided, single submitter. Criteria: ACMG Guidelines, 2015. Collection method: clinical testing. Allele origin: germline.

Mayo Clinic Laboratories, Mayo Clinic
Classification: Benign. Last evaluated: 2022-03-24. Review status: criteria provided, single submitter. Criteria: ACMG Guidelines, 2015. Collection method: clinical testing. Allele origin: germline. Observed: 464 variant alleles.

Genome-Nilou Lab
Classification: Benign for Gillespie syndrome. Last evaluated: 2021-08-19. Review status: criteria provided, single submitter. Criteria: ACMG Guidelines, 2015. Collection method: clinical testing. Allele origin: germline. Affected: no.

Genome-Nilou Lab
Classification: Benign for Spinocerebellar ataxia type 15/16. Last evaluated: 2021-08-19. Review status: criteria provided, single submitter. Criteria: ACMG Guidelines, 2015. Collection method: clinical testing. Allele origin: germline. Affected: no.

Genome-Nilou Lab
Classification: Benign for Spinocerebellar ataxia type 29. Last evaluated: 2021-08-19. Review status: criteria provided, single submitter. Criteria: ACMG Guidelines, 2015. Collection method: clinical testing. Allele origin: germline. Affected: no.

Athena Diagnostics
Classification: Benign. Last evaluated: 2019-07-15. Review status: criteria provided, single submitter. Criteria: Athena Diagnostics Criteria. Collection method: clinical testing. Allele origin: germline.

GeneDx
Classification: Benign. Last evaluated: 2018-07-05. Review status: criteria provided, single submitter. Criteria: GeneDx Variant Classification Process June 2021. Collection method: clinical testing. Allele origin: germline. Affected: yes.

Illumina Laboratory Services, Illumina
Classification: Benign for Spinocerebellar Ataxia, Dominant. Last evaluated: 2018-01-13. Review status: criteria provided, single submitter. Criteria: ICSL Variant Classification Criteria 13 December 2019. Collection method: clinical testing. Allele origin: germline.
Comment: This variant was observed in the ICSL laboratory as part of a predisposition screen in an ostensibly healthy population. It had not been previously curated by ICSL or reported in the Human Gene Mutation Database (HGMD: prior to June 1st, 2018), and was therefore a candidate for classification through an automated scoring system. Utilizing variant allele frequency, disease prevalence and penetrance estimates, and inheritance mode, an automated score was calculated to assess if this variant is too frequent to cause the disease. Based on the score and internal cut-off values, a variant classified as benign is not then subjected to further curation. The score for this variant resulted in a classification of benign for this disease.

Breakthrough Genomics
Classification: Benign. Review status: criteria provided, single submitter. Criteria: ACMG Guidelines, 2015. Collection method: not provided. Allele origin: germline. Inheritance: Autosomal dominant inheritance. Affected: yes.

Clinical Genetics DNA and cytogenetics Diagnostics Lab, Erasmus MC, Erasmus Medical Center
Classification: Benign. Review status: no assertion criteria provided. Collection method: clinical testing. Allele origin: germline. Affected: yes. Study: VKGL Data-share Consensus. Not counted in ClinVar's aggregate classification.

Diagnostic Laboratory, Department of Genetics, University Medical Center Groningen
Classification: Benign. Review status: no assertion criteria provided. Collection method: clinical testing. Allele origin: germline. Affected: yes. Study: VKGL Data-share Consensus. Not counted in ClinVar's aggregate classification.

Genetic Services Laboratory, University of Chicago
Classification: Likely benign for AllHighlyPenetrant. Review status: no assertion criteria provided. Collection method: clinical testing. Allele origin: germline. Inheritance: Autosomal dominant inheritance. Not counted in ClinVar's aggregate classification.
Comment: Likely benign based on allele frequency in 1000 Genomes Project or ESP global frequency and its presence in a patient with a rare or unrelated disease phenotype. NOT Sanger confirmed.

Joint Genome Diagnostic Labs from Nijmegen and Maastricht, Radboudumc and MUMC+
Classification: Benign. Review status: no assertion criteria provided. Collection method: clinical testing. Allele origin: germline. Affected: yes. Study: VKGL Data-share Consensus. Not counted in ClinVar's aggregate classification.